The following is an entry in ClinVar:

NM_005378.6(MYCN):c.-228C>T

Genes: MYCN (MYCN proto-oncogene, bHLH transcription factor; plus strand), MYCNOS (MYCN opposite strand; minus strand). Cytogenetic location: 2p24.3.
Variant type: single nucleotide variant.
Coding change: c.-228C>T on transcript NM_005378.6 (MANE Select); 228 bases upstream of the start codon, C replaced by T.
Molecular consequence: 5 prime UTR variant. On other transcripts: missense variant (2).
Genome position (GRCh38, 1-based): chr2:15,940,633, C>T. VCF-style: chr2-15940633-C-T. GRCh37 (hg19) VCF-style: chr2-16080755-C-T.
Other names: c.-538C>T (NM_001293228.2); c.47C>T, p.Ala16Val (NM_001293231.2, NM_001293233.2); short protein forms A16V.
Identifiers: ClinVar variation 3350611 (VCV003350611.1).

ClinVar aggregate classification (germline): Uncertain significance (0 of 4 stars; one submission).

Conditions:
MYCN-related disorder. Also called: MYCN-related condition.

gnomAD v4.1: 4 of 400,314 alleles (0.001%); highest among the groups gnomAD compares: Admixed American, 0.013%; no homozygotes.

Submission:

PreventionGenetics, part of Exact Sciences
Classification: Uncertain significance for MYCN-related condition. Last evaluated: 2024-08-27. Review status: no assertion criteria provided. Collection method: clinical testing. Allele origin: germline.
Comment: The MYCN c.47C>T variant is predicted to result in the amino acid substitution p.Ala16Val. To our knowledge, this variant has not been reported in the literature or in a large population database, indicating this variant is rare. At this time, the clinical significance of this variant is uncertain due to the absence of conclusive functional and genetic evidence.